The following is an entry in ClinVar:

ClinVar aggregate classification (germline): Uncertain significance. Review status: criteria provided, multiple submitters, no conflicts (2 of 4 stars). 2 submissions from 2 submitters: Uncertain significance (2). Last evaluated 2026-02-25.

Conditions:
Inborn genetic diseases. Identifiers: MedGen C0950123, MeSH D030342.

gnomAD v4.1: 12 of 1,613,760 alleles (0.00074%); highest among the groups gnomAD compares: South Asian, 0.0022%; no homozygotes.

Submissions (2):

Ambry Genetics
Classification: Uncertain significance for Inborn genetic diseases. Last evaluated: 2026-02-25. Review status: criteria provided, single submitter. Criteria: Ambry Variant Classification Scheme 2023. Collection method: clinical testing. Allele origin: germline.

Labcorp Genetics (formerly Invitae), Labcorp
Classification: Uncertain significance. Last evaluated: 2025-03-04. Review status: criteria provided, single submitter. Criteria: Invitae Variant Classification Sherloc (09022015). Collection method: clinical testing. Allele origin: germline.
Comment: This sequence change replaces alanine, which is neutral and non-polar, with valine, which is neutral and non-polar, at codon 432 of the TCIRG1 protein (p.Ala432Val). This variant is present in population databases (rs201385035, gnomAD 0.002%). This variant has not been reported in the literature in individuals affected with TCIRG1-related conditions. Invitae Evidence Modeling of protein sequence and biophysical properties (such as structural, functional, and spatial information, amino acid conservation, physicochemical variation, residue mobility, and thermodynamic stability) indicates that this missense variant is not expected to disrupt TCIRG1 protein function with a negative predictive value of 80%. In summary, the available evidence is currently insufficient to determine the role of this variant in disease. Therefore, it has been classified as a Variant of Uncertain Significance.

NM_006019.4(TCIRG1):c.1295C>T (p.Ala432Val)

Gene: TCIRG1 (T cell immune regulator 1, ATPase H+ transporting V0 subunit a3; plus strand). Cytogenetic location: 11q13.2.
Variant type: single nucleotide variant.
Coding change: c.1295C>T on transcript NM_006019.4 (MANE Select); coding-DNA position 1295, C replaced by T.
Protein change: p.Ala432Val; replaces alanine 432 with valine.
Molecular consequence: missense variant. On other transcripts: intron variant (1).
Genome position (GRCh38, 1-based): chr11:68,047,562, C>T. VCF-style: chr11-68047562-C-T. GRCh37 (hg19) VCF-style: chr11-67815029-C-T.
Other names: c.1295C>T (NM_006019.3); c.647C>T, p.Ala216Val (NM_006053.4); c.504-320C>T (NM_001440569.1); c.401C>T, p.Ala134Val (NM_001351059.2); c.1295C>T, p.Ala432Val (NM_001440552.1, NM_001440553.1, NM_001440554.1 and 2 more transcripts); c.1253C>T, p.Ala418Val (NM_001440555.1, NM_001440556.1, NM_001440563.1); c.1082C>T, p.Ala361Val (NM_001440559.1, NM_001440560.1, NM_001440561.1 and 3 more transcripts); c.1040C>T, p.Ala347Val (NM_001440564.1); and 2 more; short protein forms A216V, A361V, A134V, A276V, A332V, A432V, A347V, A418V.
Identifiers: ClinVar variation 4754153 (VCV004754153.2).
Genomic context (GRCh38, chr11:68,047,562, plus strand): 5'-TCATGTTCCTGTTCGCCCTGGCCATGGTCCTTGCGGAGAACCGACCGGCTGTGAAGGCCG[C>T]GCAGAACGAGGTGAGGGGCGGGGCTGGGGTCCTGATGAGGGTAGCAGGGCCAGGCAGCCC-3'
Protein context (NP_006010.2, residues 422-442): LAENRPAVKA[Ala432Val]QNEIWQTFFR